The following is an entry in ClinVar:

NM_205836.3(FBXO38):c.1273A>G (p.Arg425Gly)

Gene: FBXO38 (F-box protein 38; plus strand). Cytogenetic location: 5q32.
Variant type: single nucleotide variant.
Coding change: c.1273A>G on transcript NM_205836.3 (MANE Select); coding-DNA position 1273, A replaced by G.
Protein change: p.Arg425Gly; replaces arginine 425 with glycine.
Molecular consequence: missense variant.
Genome position (GRCh38, 1-based): chr5:148,415,936, A>G. VCF-style: chr5-148415936-A-G. GRCh37 (hg19) VCF-style: chr5-147795499-A-G.
Other names: c.1273A>G, p.Arg425Gly (NM_001271723.2, NM_030793.5); short protein forms R425G.
Identifiers: ClinVar variation 1717919 (VCV001717919.7), dbSNP rs2531762065, ClinGen allele CA361658974.

ClinVar aggregate classification (germline): Uncertain significance. Review status: criteria provided, multiple submitters, no conflicts (2 of 4 stars). 2 submissions from 2 submitters: Uncertain significance (2). Last evaluated 2022-08-24.

Conditions:
Distal hereditary motor neuropathy type 2. Identifiers: Orphanet 139525, MedGen C3711384, MeSH C580044, MONDO:0015352.

Submissions (2):

Labcorp Genetics (formerly Invitae), Labcorp
Classification: Uncertain significance for Distal hereditary motor neuropathy type 2. Last evaluated: 2022-08-24. Review status: criteria provided, single submitter. Criteria: Invitae Variant Classification Sherloc (09022015). Collection method: clinical testing. Allele origin: germline.
Comment: In summary, the available evidence is currently insufficient to determine the role of this variant in disease. Therefore, it has been classified as a Variant of Uncertain Significance. This sequence change replaces arginine, which is basic and polar, with glycine, which is neutral and non-polar, at codon 425 of the FBXO38 protein (p.Arg425Gly). This variant is not present in population databases (gnomAD no frequency). This variant has not been reported in the literature in individuals affected with FBXO38-related conditions. Algorithms developed to predict the effect of missense changes on protein structure and function are either unavailable or do not agree on the potential impact of this missense change (SIFT: "Deleterious"; PolyPhen-2: "Probably Damaging"; Align-GVGD: "Class C0").

Ambry Genetics
Classification: Uncertain significance. Last evaluated: 2019-09-26. Review status: criteria provided, single submitter. Criteria: Ambry Variant Classification Scheme 2023. Collection method: clinical testing. Allele origin: germline.
Comment: The p.R425G variant (also known as c.1273A>G), located in coding exon 10 of the FBXO38 gene, results from an A to G substitution at nucleotide position 1273. The arginine at codon 425 is replaced by glycine, an amino acid with dissimilar properties. This amino acid position is highly conserved in available vertebrate species. In addition, the in silico prediction for this alteration is inconclusive. Since supporting evidence is limited at this time, the clinical significance of this alteration remains unclear.